The following is an entry in ClinVar:

NM_000444.6(PHEX):c.304G>T (p.Gly102Trp)

Gene: PHEX (phosphate regulating endopeptidase X-linked; plus strand). Cytogenetic location: Xp22.11.
Variant type: single nucleotide variant.
Coding change: c.304G>T on transcript NM_000444.6 (MANE Select); coding-DNA position 304, G replaced by T.
Protein change: p.Gly102Trp; replaces glycine 102 with tryptophan.
Molecular consequence: missense variant.
Genome position (GRCh38, 1-based): chrX:22,047,166, G>T. VCF-style: chrX-22047166-G-T. GRCh37 (hg19) VCF-style: chrX-22065284-G-T.
Other names: c.304G>T (NM_000444.4); c.304G>T, p.Gly102Trp (NM_001282754.2); short protein forms G102W.
Identifiers: ClinVar variation 1519035 (VCV001519035.7), dbSNP rs1927580756, ClinGen allele CA412567751.

ClinVar aggregate classification (germline): Conflicting classifications of pathogenicity. Review status: criteria provided, conflicting classifications (1 of 4 stars). 2 submissions from 2 submitters: Likely pathogenic (1); Uncertain significance (1). Last evaluated 2024-05-16.

Submissions (2):

GeneDx
Classification: Uncertain significance. Last evaluated: 2024-05-16. Review status: criteria provided, single submitter. Criteria: GeneDx Variant Classification Process June 2021. Collection method: clinical testing. Allele origin: germline. Affected: yes.
Comment: Identified in a family with rickets, but they also harbored a variant in the ALPL gene (PMID: 38077305); Not observed at significant frequency in large population cohorts (gnomAD); In silico analysis supports that this missense variant has a deleterious effect on protein structure/function; This variant is associated with the following publications: (PMID: 38077305)

Labcorp Genetics (formerly Invitae), Labcorp
Classification: Likely pathogenic. Last evaluated: 2022-07-19. Review status: criteria provided, single submitter. Criteria: Invitae Variant Classification Sherloc (09022015). Collection method: clinical testing. Allele origin: germline.
Comment: In summary, the currently available evidence indicates that the variant is pathogenic, but additional data are needed to prove that conclusively. Therefore, this variant has been classified as Likely Pathogenic. This variant disrupts the p.Gly102 amino acid residue in PHEX. Other variant(s) that disrupt this residue have been determined to be pathogenic (PMID: 27840894, 30682568; Invitae). This suggests that this residue is clinically significant, and that variants that disrupt this residue are likely to be disease-causing. Advanced modeling of protein sequence and biophysical properties (such as structural, functional, and spatial information, amino acid conservation, physicochemical variation, residue mobility, and thermodynamic stability) performed at Invitae indicates that this missense variant is expected to disrupt PHEX protein function. ClinVar contains an entry for this variant (Variation ID: 1519035). This missense change has been observed in individual(s) with hypophosphatemic rickets (Invitae). This variant is not present in population databases (gnomAD no frequency). This sequence change replaces glycine, which is neutral and non-polar, with tryptophan, which is neutral and slightly polar, at codon 102 of the PHEX protein (p.Gly102Trp).

Literature cited by the submitters: PubMed 27840894 (cited by Labcorp Genetics (formerly Invitae), Labcorp); PubMed 30682568 (cited by Labcorp Genetics (formerly Invitae), Labcorp).